The following is an entry in ClinVar:

NM_004329.3(BMPR1A):c.-8A>G

Gene: BMPR1A (bone morphogenetic protein receptor type 1A; plus strand). Cytogenetic location: 10q23.2.
Variant type: single nucleotide variant.
Coding change: c.-8A>G on transcript NM_004329.3 (MANE Select); 8 bases upstream of the start codon, A replaced by G.
Molecular consequence: 5 prime UTR variant.
Genome position (GRCh38, 1-based): chr10:86,876,011, A>G. VCF-style: chr10-86876011-A-G. GRCh37 (hg19) VCF-style: chr10-88635768-A-G.
Identifiers: ClinVar variation 377565 (VCV000377565.9), dbSNP rs546681014, ClinGen allele CA5585403.
Genomic context (GRCh38, chr10:86,876,011, plus strand): 5'-TTAAATTGGTGAAGTAGCAAGACCAATTATTAAAGGTGACAGTACACAGGAAACATTACA[A>G]TTGAACAATGCCTCAGCTATACATTTACATCAGATTATTGGGAGCCTATTTGTTCATCAT-3'

ClinVar aggregate classification (germline): Conflicting classifications of pathogenicity. Review status: criteria provided, conflicting classifications (1 of 4 stars). 4 submissions from 4 submitters: Uncertain significance (1); Likely benign (3). Last evaluated 2024-07-30.

Conditions:
Juvenile polyposis syndrome (JPS). Identifiers: Orphanet 2929, MedGen C0345893, MONDO:0017380, OMIM 174900.
Hereditary cancer-predisposing syndrome. Also called: Hereditary neoplastic syndrome; Tumor predisposition; Neoplastic Syndromes, Hereditary; Hereditary Cancer Syndrome. Identifiers: Orphanet 140162, MedGen C0027672, MeSH D009386, MONDO:0015356.

Allele frequency attached by ClinVar (database versions not stated): ExAC 0.00001; gnomAD exomes 0.00001 and 0.00002; gnomAD 0.00002 and 0.00003; TOPMed 0.00004; 1000 Genomes Project 30x 0.00016; 1000 Genomes Project 0.00020.
gnomAD v4.1: 26 of 1,602,428 alleles (0.0016%); highest among the groups gnomAD compares: East Asian, 0.0067%; no homozygotes.

Submissions (4):

Myriad Genetics, Inc.
Classification: Likely benign for Juvenile polyposis syndrome. Last evaluated: 2024-07-30. Review status: criteria provided, single submitter. Criteria: Myriad Autosomal Dominant, Autosomal Recessive and X-Linked Classification Criteria (2023). Collection method: clinical testing. Allele origin: unknown.
Comment: This variant is considered likely benign. Homozygosity has been confirmed in one or more individuals. As homozygosity for pathogenic variants in this gene is generally assumed to result in embryonic lethality, this variant is unlikely to be pathogenic.

Color Diagnostics, LLC DBA Color Health
Classification: Likely benign for Hereditary cancer-predisposing syndrome. Last evaluated: 2024-04-24. Review status: criteria provided, single submitter. Criteria: ACMG Guidelines, 2015. Collection method: clinical testing. Allele origin: germline.

Women's Health and Genetics/Laboratory Corporation of America, LabCorp
Classification: Uncertain significance. Last evaluated: 2021-05-30. Review status: criteria provided, single submitter. Criteria: LabCorp Variant Classification Summary - May 2015. Collection method: clinical testing. Allele origin: germline.
Comment: Variant summary: BMPR1A c.-8A>G alters a non-conserved nucleotide located in the untranslated mRNA region upstream of the initiation codon. The variant allele was found at a frequency of 1.2e-05 in 251286 control chromosomes. The available data on variant occurrences in the general population are insufficient to allow any conclusion about variant significance. c.-8A>G has been reported in the literature as a VUS in individuals undergoing multigene panel testing for colorectal cancer (example, Yurgelun_2017). This report does not provide unequivocal conclusions about association of the variant with Juvenile Polyposis Syndrome. To our knowledge, no experimental evidence demonstrating an impact on protein function has been reported. Two clinical diagnostic laboratories have submitted clinical-significance assessments for this variant to ClinVar after 2014 without evidence for independent evaluation. One laboratory classified the variant as likely benign, and one laboratory classified the variant as uncertain significance. Based on the evidence outlined above, the variant was classified as VUS-possibly benign.

GeneDx
Classification: Likely benign. Last evaluated: 2016-06-21. Review status: criteria provided, single submitter. Criteria: GeneDx Variant Classification (06012015). Collection method: clinical testing. Allele origin: germline. Affected: yes.
Comment: This variant is considered likely benign or benign based on one or more of the following criteria: it is a conservative change, it occurs at a poorly conserved position in the protein, it is predicted to be benign by multiple in silico algorithms, and/or has population frequency not consistent with disease.

Literature cited by the submitters: PubMed 28135145 (cited by Women's Health and Genetics/Laboratory Corporation of America, LabCorp).